The following is an entry in ClinVar:

NM_130384.3(ATRIP):c.1735T>G (p.Phe579Val)

Genes: ATRIP (ATR interacting protein; plus strand), ATRIP-TREX1 (ATRIP-TREX1 readthrough; plus strand). Cytogenetic location: 3p21.31.
Variant type: single nucleotide variant.
Coding change: c.1735T>G on transcript NM_130384.3 (MANE Select); coding-DNA position 1735, T replaced by G.
Protein change: p.Phe579Val; replaces phenylalanine 579 with valine.
Molecular consequence: missense variant. On other transcripts: non-coding transcript variant (1).
Genome position (GRCh38, 1-based): chr3:48,460,789, T>G. VCF-style: chr3-48460789-T-G. GRCh37 (hg19) VCF-style: chr3-48502188-T-G.
Other names: c.1354T>G, p.Phe452Val (NM_001271022.2); c.1456T>G, p.Phe486Val (NM_001271023.2); c.1735T>G, p.Phe579Val (NM_032166.4); short protein forms F579V, F452V, F486V.
Identifiers: ClinVar variation 3808993 (VCV003808993.1).

ClinVar aggregate classification (germline): Uncertain significance (1 of 4 stars; one submission).

gnomAD v4.1: 11 of 1,597,208 alleles (0.00069%); highest among the groups gnomAD compares: African/African-American, 0.013%; no homozygotes.

Submission:

Ambry Genetics
Classification: Uncertain significance. Last evaluated: 2024-12-14. Review status: criteria provided, single submitter. Criteria: Ambry Variant Classification Scheme 2023. Collection method: clinical testing. Allele origin: germline.
Comment: The p.F579V variant (also known as c.1735T>G), located in coding exon 8 of the ATRIP gene, results from a T to G substitution at nucleotide position 1735. The phenylalanine at codon 579 is replaced by valine, an amino acid with highly similar properties. This amino acid position is conserved. In addition, this alteration is predicted to be tolerated by in silico analysis. Based on the available evidence, the clinical significance of this variant remains unclear.